The following is an entry in ClinVar:

NM_001042475.3(CEP85L):c.2273A>G (p.Glu758Gly)

Gene: CEP85L (centrosomal protein 85L; minus strand). Cytogenetic location: 6q22.31.
Variant type: single nucleotide variant.
Coding change: c.2273A>G on transcript NM_001042475.3 (MANE Select); coding-DNA position 2273, A replaced by G.
Protein change: p.Glu758Gly; replaces glutamic acid 758 with glycine.
Molecular consequence: missense variant.
Genome position (GRCh38, 1-based): chr6:118,465,550, T>C on the plus strand (A>G on the coding strand, the complement: CEP85L is on the minus strand). VCF-style: chr6-118465550-T-C. GRCh37 (hg19) VCF-style: chr6-118786713-T-C.
Other names: c.2282A>G, p.Glu761Gly (NM_001178035.2); short protein forms E758G, E761G.
Identifiers: ClinVar variation 3902771 (VCV003902771.1).

ClinVar aggregate classification (germline): Uncertain significance (1 of 4 stars; one submission).

gnomAD v4.1: 3 of 1,613,132 alleles (0.00019%); highest among the groups gnomAD compares: African/African-American, 0.004%; no homozygotes.

Submission:

Women's Health and Genetics/Laboratory Corporation of America, LabCorp
Classification: Uncertain significance. Last evaluated: 2025-05-21. Review status: criteria provided, single submitter. Criteria: LabCorp Variant Classification Summary - May 2015. Collection method: clinical testing. Allele origin: germline.
Comment: Variant summary: CEP85L c.2273A>G (p.Glu758Gly) results in a non-conservative amino acid change in the encoded protein sequence. Algorithms developed to predict the effect of missense changes on protein structure and function are either unavailable or do not agree on the potential impact of this missense change. The variant was absent in 248344 control chromosomes. The available data on variant occurrences in the general population are insufficient to allow any conclusion about variant significance. To our knowledge, no occurrence of c.2273A>G in individuals affected with Lissencephaly 10 and no experimental evidence demonstrating its impact on protein function have been reported. No submitters have cited clinical-significance assessments for this variant to ClinVar. Based on the evidence outlined above, the variant was classified as uncertain significance.